The following is an entry in ClinVar:

NM_033380.3(COL4A5):c.1948+1G>C

Gene: COL4A5 (collagen type IV alpha 5 chain; plus strand). Cytogenetic location: Xq22.3.
Variant type: single nucleotide variant.
Coding change: c.1948+1G>C on transcript NM_033380.3 (MANE Select); the canonical splice donor site of the intron after coding-DNA position 1948, G replaced by C.
Molecular consequence: splice donor variant.
Genome position (GRCh38, 1-based): chrX:108,598,871, G>C. VCF-style: chrX-108598871-G-C. GRCh37 (hg19) VCF-style: chrX-107842101-G-C.
Other names: c.1948+1G>C (NM_000495.5).
Identifiers: ClinVar variation 1401996 (VCV001401996.6), dbSNP rs104886339, ClinGen allele CA413845966.

ClinVar aggregate classification (germline): Pathogenic (1 of 4 stars; one submission).

Submission:

Labcorp Genetics (formerly Invitae), Labcorp
Classification: Pathogenic. Last evaluated: 2021-11-16. Review status: criteria provided, single submitter. Criteria: Invitae Variant Classification Sherloc (09022015). Collection method: clinical testing. Allele origin: germline.
Comment: For these reasons, this variant has been classified as Pathogenic. Algorithms developed to predict the effect of sequence changes on RNA splicing suggest that this variant may disrupt the consensus splice site. Disruption of this splice site has been observed in individuals with Alport syndrome (PMID: 14993485, 15780079). This variant is not present in population databases (gnomAD no frequency). This sequence change affects a donor splice site in intron 25 of the COL4A5 gene. It is expected to disrupt RNA splicing. Variants that disrupt the donor or acceptor splice site typically lead to a loss of protein function (PMID: 16199547), and loss-of-function variants in COL4A5 are known to be pathogenic (PMID: 9195222, 10752524, 14514738, 24854265, 26809805).

Literature cited by the submitters: PubMed 14993485; PubMed 15780079; PubMed 16199547; PubMed 9195222; PubMed 10752524; PubMed 14514738; PubMed 24854265; PubMed 26809805.